The following is an entry in ClinVar:

ClinVar aggregate classification (germline): Uncertain significance (1 of 4 stars; one submission).

Conditions:
Protoporphyria, erythropoietic, 1 (EPP1). Also called: FERROCHELATASE DEFICIENCY; HEME SYNTHETASE DEFICIENCY; Erythropoietic Protoporphyria, Autosomal Recessive. Identifiers: Orphanet 79278, MedGen C4692546, MONDO:0008319, OMIM 177000.

gnomAD v4.1: 3 of 1,611,232 alleles (0.00019%); highest among the groups gnomAD compares: Non-Finnish European, 0.00017%; no homozygotes.

Submission:

Victorian Clinical Genetics Services, Murdoch Childrens Research Institute
Classification: Uncertain significance for Protoporphyria, erythropoietic, 1. Last evaluated: 2023-07-17. Review status: criteria provided, single submitter. Criteria: ACMG Guidelines, 2015. Collection method: clinical testing. Allele origin: germline. Inheritance: Autosomal recessive inheritance.
Comment: Based on the classification scheme VCGS_Germline_v1.3.4, this variant is classified as VUS-3A. Following criteria are met: 0102 - Loss of function is a known mechanism of disease in this gene and is associated with erythropoietic protoporphyria 1 (MIM#177000). (I) 0106 - This gene is associated with autosomal recessive disease. (I) 0212 - Non-canonical splice site variant without proven consequence on splicing (no functional evidence available). (SP) 0251 - This variant is heterozygous. (I) 0301 - Variant is absent from gnomAD (both v2 and v3). (SP) 0311 - An alternative nucleotide change at the same position is present in gnomAD (v2) (1 heterozygote, 0 homozygotes). (I) 0508 - In silico predictions for abnormal splicing are conflicting. (I) 0705 - No comparable splice site variants have previous evidence for pathogenicity. (I) 0807 - This variant has no previous evidence of pathogenicity. (I) 0905 - No published segregation evidence has been identified for this variant. (I) 1005 - Clinically accredited laboratory assay specific to gene product shows abnormal protein function. (SP) 1201 - Heterozygous variant detected in trans with a second pathogenic heterozygous variant (c.1001C>T; p.(Pro334Leu)) in a recessive disease. (I) Legend: (SP) - Supporting pathogenic, (I) - Information, (SB) - Supporting benign

NM_000140.5(FECH):c.1078-5T>G

Gene: FECH (ferrochelatase; minus strand). Cytogenetic location: 18q21.31.
Variant type: single nucleotide variant.
Coding change: c.1078-5T>G on transcript NM_000140.5 (MANE Select); 5 bases into the intron before coding-DNA position 1078, T replaced by G.
Molecular consequence: intron variant.
Genome position (GRCh38, 1-based): chr18:57,551,379, A>C on the plus strand (T>G on the coding strand, the complement: FECH is on the minus strand). VCF-style: chr18-57551379-A-C. GRCh37 (hg19) VCF-style: chr18-55218611-A-C.
Other names: c.979-5T>G (NM_001371094.1); c.1078-533T>G (NM_001374778.1); c.1096-5T>G (NM_001012515.4); c.862-5T>G (NM_001371095.1).
Identifiers: ClinVar variation 3255133 (VCV003255133.1), dbSNP rs1398391651.